The following is an entry in ClinVar:

NM_006231.4(POLE):c.984T>C (p.Tyr328=)

Gene: POLE (DNA polymerase epsilon, catalytic subunit; minus strand). Cytogenetic location: 12q24.33.
Variant type: single nucleotide variant.
Coding change: c.984T>C on transcript NM_006231.4 (MANE Select); coding-DNA position 984, T replaced by C.
Protein change: p.Tyr328=; no amino-acid change (tyrosine 328 retained).
Molecular consequence: synonymous variant.
Genome position (GRCh38, 1-based): chr12:132,676,130, A>G on the plus strand (T>C on the coding strand, the complement: POLE is on the minus strand). VCF-style: chr12-132676130-A-G. GRCh37 (hg19) VCF-style: chr12-133252716-A-G.
Identifiers: ClinVar variation 823508 (VCV000823508.14), dbSNP rs1593078331, ClinGen allele CA482722949.

ClinVar aggregate classification (germline): Benign/Likely benign. Review status: criteria provided, multiple submitters, no conflicts (2 of 4 stars). 3 submissions from 3 submitters: Benign (1); Likely benign (2). Last evaluated 2025-11-20.

Conditions:
Hereditary cancer-predisposing syndrome. Also called: Tumor predisposition; Hereditary Cancer Syndrome; Neoplastic Syndromes, Hereditary; Hereditary neoplastic syndrome. Identifiers: Orphanet 140162, MedGen C0027672, MeSH D009386, MONDO:0015356.
Colorectal cancer, susceptibility to, 12 (CRCS12). Also called: COLORECTAL CANCER, SUSCEPTIBILITY TO, ON CHROMOSOME 12q24. Identifiers: Orphanet 220460, MedGen C3554460, MONDO:0014038, OMIM 615083.

Allele frequency attached by ClinVar (database versions not stated): TOPMed below 0.00001; gnomAD 0.00001.
gnomAD v4.1: 1 of 1,612,234 alleles (0.000062%); highest among the groups gnomAD compares: Admixed American, 0.0017%; no homozygotes.

Submissions (3):

Labcorp Genetics (formerly Invitae), Labcorp
Classification: Likely benign. Last evaluated: 2025-11-20. Review status: criteria provided, single submitter. Criteria: Invitae Variant Classification Sherloc (09022015). Collection method: clinical testing. Allele origin: germline.

Myriad Genetics, Inc.
Classification: Benign for Colorectal cancer, susceptibility to, 12. Last evaluated: 2025-02-07. Review status: criteria provided, single submitter. Criteria: Myriad Autosomal Dominant, Autosomal Recessive and X-Linked Classification Criteria (2023). Collection method: clinical testing. Allele origin: unknown.
Comment: This variant is considered benign. This variant is a silent/synonymous amino acid change and it is not expected to impact splicing.

Ambry Genetics
Classification: Likely benign for Hereditary cancer-predisposing syndrome. Last evaluated: 2019-10-13. Review status: criteria provided, single submitter. Criteria: Ambry Variant Classification Scheme 2023. Collection method: clinical testing. Allele origin: germline.